The following is an entry in ClinVar:

ClinVar aggregate classification (germline): Uncertain significance. Review status: criteria provided, multiple submitters, no conflicts (2 of 4 stars). 2 submissions from 2 submitters: Uncertain significance (2). Last evaluated 2025-02-11.

Conditions:
Lipodystrophy, partial, acquired, susceptibility to (APLD). Also called: APLD, SUSCEPTIBILITY TO. Identifiers: MedGen C3887501, MONDO:0100476, OMIM 608709.
Progressive myoclonic epilepsy type 9. Identifiers: Orphanet 457265, MedGen C4225289, MONDO:0014685, OMIM 616540.

Allele frequency attached by ClinVar (database versions not stated): gnomAD exomes below 0.00001.
gnomAD v4.1: 3 of 1,614,038 alleles (0.00019%); highest among the groups gnomAD compares: Non-Finnish European, 0.00017%; no homozygotes.

Submissions (2):

Ambry Genetics
Classification: Uncertain significance. Last evaluated: 2025-02-11. Review status: criteria provided, single submitter. Criteria: Ambry Variant Classification Scheme 2023. Collection method: clinical testing. Allele origin: germline.

Labcorp Genetics (formerly Invitae), Labcorp
Classification: Uncertain significance for Progressive myoclonic epilepsy type 9; Lipodystrophy, partial, acquired, susceptibility to. Last evaluated: 2024-04-05. Review status: criteria provided, single submitter. Criteria: Invitae Variant Classification Sherloc (09022015). Collection method: clinical testing. Allele origin: germline.
Comment: This sequence change replaces aspartic acid, which is acidic and polar, with histidine, which is basic and polar, at codon 220 of the LMNB2 protein (p.Asp220His). This variant is not present in population databases (gnomAD no frequency). This variant has not been reported in the literature in individuals affected with LMNB2-related conditions. ClinVar contains an entry for this variant (Variation ID: 571534). Advanced modeling of protein sequence and biophysical properties (such as structural, functional, and spatial information, amino acid conservation, physicochemical variation, residue mobility, and thermodynamic stability) performed at Invitae indicates that this missense variant is not expected to disrupt LMNB2 protein function with a negative predictive value of 80%. In summary, the available evidence is currently insufficient to determine the role of this variant in disease. Therefore, it has been classified as a Variant of Uncertain Significance.

NM_032737.4(LMNB2):c.658G>C (p.Asp220His)

Gene: LMNB2 (lamin B2; minus strand). Cytogenetic location: 19p13.3.
Variant type: single nucleotide variant.
Coding change: c.658G>C on transcript NM_032737.4 (MANE Select); coding-DNA position 658, G replaced by C.
Protein change: p.Asp220His; replaces aspartic acid 220 with histidine.
Molecular consequence: missense variant.
Genome position (GRCh38, 1-based): chr19:2,438,189, C>G on the plus strand (G>C on the coding strand, the complement: LMNB2 is on the minus strand). VCF-style: chr19-2438189-C-G. GRCh37 (hg19) VCF-style: chr19-2438187-C-G.
Other names: c.598G>C (NM_032737.2); short protein forms D220H.
Identifiers: ClinVar variation 571534 (VCV000571534.9), dbSNP rs1568203965, ClinGen allele CA403257124.